The following is an entry in ClinVar:

NM_000574.5(CD55):c.717A>G (p.Glu239=)

Gene: CD55 (CD55 molecule (Cromer blood group); plus strand). Cytogenetic location: 1q32.2.
Variant type: single nucleotide variant.
Coding change: c.717A>G on transcript NM_000574.5 (MANE Select); coding-DNA position 717, A replaced by G.
Protein change: p.Glu239=; no amino-acid change (glutamic acid 239 retained).
Molecular consequence: synonymous variant. On other transcripts: non-coding transcript variant (1).
Genome position (GRCh38, 1-based): chr1:207,331,160, A>G. VCF-style: chr1-207331160-A-G. GRCh37 (hg19) VCF-style: chr1-207504505-A-G.
Other names: c.717A>G, p.Glu239= (NM_001114752.3, NM_001300902.2, NM_001300903.2 and 1 more transcripts).
Identifiers: ClinVar variation 2500014 (VCV002500014.2), dbSNP rs1654924770, ClinGen allele CA422956887.

ClinVar aggregate classification (germline): Likely benign (1 of 4 stars; one submission).

Conditions:
Complement hyperactivation-angiopathic thrombosis-protein-losing enteropathy syndrome. Also called: COMPLEMENT HYPERACTIVATION, ANGIOPATHIC THROMBOSIS, AND PROTEIN-LOSING ENTEROPATHY. Identifiers: Orphanet 566175, MedGen C4538570, MONDO:0009174, OMIM 226300.
Cromer blood group system (CROM). Also called: CROMER BLOOD GROUP SYSTEM, Inab PHENOTYPE. Identifiers: MedGen C1292305, OMIM 613793.

Allele frequency attached by ClinVar (database versions not stated): gnomAD exomes below 0.00001.
gnomAD v4.1: 1 of 1,613,782 alleles (0.000062%); no homozygotes.

Submission:

Center for Genomics, Ann and Robert H. Lurie Children's Hospital of Chicago
Classification: Likely benign for Cromer blood group system; Complement hyperactivation-angiopathic thrombosis-protein-losing enteropathy syndrome. Review status: criteria provided, single submitter. Criteria: ACMG Guidelines, 2015. Collection method: clinical testing. Allele origin: germline.
Comment: This variant has not been reported in the literature and is not present in large control databases. Evolutionary conservation and computational predictive tools for this variant are limited or unavailable. Of note, this variant is a silent variant and does not change the amino acid, reducing the probability that this variant is disease causing. In summary, data on this variant suggests that this variant does not cause disease but requires further evidence. Therefore, this variant is classified as likely benign